The following is an entry in ClinVar:

NM_001130987.2(DYSF):c.3427del (p.Glu1143fs)

Gene: DYSF (dysferlin; plus strand). Cytogenetic location: 2p13.2.
Variant type: Deletion.
Coding change: c.3427del on transcript NM_001130987.2 (MANE Select); coding-DNA position 3427, one base deleted (G; older notation c.3427delG).
Protein change: p.Glu1143fs; shifts the reading frame from glutamic acid 1143.
Molecular consequence: frameshift variant.
Genome position (GRCh38, 1-based): chr2:71,589,617, G deleted. VCF-style (leftmost placement, unchanged base first): chr2-71589616-TG-T. GRCh37 (hg19) VCF-style: chr2-71816746-TG-T.
Other names: NM_001130987.2(DYSF):c.3427del; p.Glu1143fs; c.3376del, p.Glu1126fs (NM_001130455.2, NM_001130983.2); c.3331del, p.Glu1111fs (NM_001130976.2, NM_001130977.2); c.3373del, p.Glu1125fs (NM_001130978.2, NM_003494.4); c.3466del, p.Glu1156fs (NM_001130979.2); c.3424del, p.Glu1142fs (NM_001130980.2, NM_001130981.2); c.3469del, p.Glu1157fs (NM_001130982.2); and 3 more; short protein forms E1111fs, E1112fs, E1125fs, E1126fs, E1142fs, E1143fs, E1156fs, E1157fs.
Identifiers: ClinVar variation 1300184 (VCV001300184.3), dbSNP rs2093189899, ClinGen allele CA1139532918.
Genomic context (GRCh38, chr2:71,589,616, plus strand): 5'-GGGGCAGAATCTGCCATAACCAGCTTCGTGTCTCCAGGGCGGCGTGATGGATGACAAGAG[TG>T]AAGATTCCATGTCCGTCTCCACCTTGAGCTTCGGTGTGAACAGACCCACGATTTCCTGCA-3'

ClinVar aggregate classification (germline): Pathogenic. Review status: reviewed by expert panel (3 of 4 stars). 2 submissions from 2 submitters: Pathogenic (1). 1 of the submissions does not count toward it. Last evaluated 2025-06-24.

Conditions:
Autosomal recessive limb-girdle muscular dystrophy. Identifiers: Orphanet 102015, MedGen C2931907, MONDO:0015152.
Miyoshi muscular dystrophy 1 (MMD1). Identifiers: Orphanet 45448, MedGen C4551973, MONDO:0024545, OMIM 254130.

Allele frequency attached by ClinVar (database versions not stated): gnomAD exomes below 0.00001.

Submissions (2):

ClinGen Limb Girdle Muscular Dystrophy Variant Curation Expert Panel, ClinGen
Classification: Pathogenic for Autosomal recessive limb-girdle muscular dystrophy. Last evaluated: 2025-06-24. Review status: reviewed by expert panel. Criteria: ClinGen LGMD VCEP ACMG Specifications DYSF V1.0.0. Collection method: curation. Allele origin: germline. Inheritance: Autosomal recessive inheritance.
Comment: The NM_003494.4: c.3373del p.(Glu1125LysfsTer9) variant in DYSF, which is also known as NM_001130987.2: c.3427del p.(Glu1143LysfsTer9), is a frameshift variant predicted to cause a premature stop codon in biologically relevant exon 31/55, leading to nonsense mediated decay in a gene in which loss of function is an established disease mechanism (PVS1). This variant has been reported in at least 12 patients with features of LGMD, including in the homozygous state in at least eight individuals (1.0 pt; PMID: 32400077; 26088049; 2324326; 12410383; LOVD DYSF_000024; PM3). It appears to be particularly common among Japanese patients with a Miyoshi myopathy phenotype. At least one of the patients homozygous for this variant displayed absent dysferlin protein expression in skeletal muscle in addition to a clinical diagnosis of LGMD, which is highly specific for DYSF-related LGMD (PMID: 12410383; PP4_Strong). The filtering allele frequency of this variant is 0.00023 in gnomAD v4.1.0 exomes (the upper threshold of the 95% CI of 4/39700 East Asian chromosomes), which is greater than the ClinGen LGMD VCEP threshold for PM2_Supporting (≤0.0001) (PM2_Supporting not met). In summary, this variant meets the criteria to be classified as Pathogenic for autosomal recessive limb girdle muscular dystrophy based on the ACMG/AMP criteria applied, as specified by the ClinGen LGMD VCEP (LGMD VCEP specifications version 1.0.0; 06/24/2025): PVS1, PM3, PP4_Strong.

GeneReviews
No classification provided. Condition: Miyoshi muscular dystrophy 1. Review status: no classification provided. Collection method: literature only. Allele origin: germline. Not counted in ClinVar's aggregate classification.
Comment: Common variant assoc with MMD (Miyoshi muscular dystrophy)

Literature cited by the submitters: PubMed 32400077 (cited by GeneReviews).